The following is an entry in ClinVar:

NM_006015.6(ARID1A):c.4466C>T (p.Ala1489Val)

Gene: ARID1A (AT-rich interaction domain 1A; plus strand). Cytogenetic location: 1p36.11.
Variant type: single nucleotide variant.
Coding change: c.4466C>T on transcript NM_006015.6 (MANE Select); coding-DNA position 4466, C replaced by T.
Protein change: p.Ala1489Val; replaces alanine 1489 with valine.
Molecular consequence: missense variant. On other transcripts: intron variant (1).
Genome position (GRCh38, 1-based): chr1:26,774,693, C>T. VCF-style: chr1-26774693-C-T. GRCh37 (hg19) VCF-style: chr1-27101184-C-T.
Other names: c.4102-287C>T (NM_139135.4); short protein forms A1489V.
Identifiers: ClinVar variation 3784150 (VCV003784150.2).

ClinVar aggregate classification (germline): Uncertain significance. Review status: criteria provided, multiple submitters, no conflicts (2 of 4 stars). 2 submissions from 2 submitters: Uncertain significance (2). Last evaluated 2025-03-01.

Conditions:
Inborn genetic diseases. Identifiers: MedGen C0950123, MeSH D030342.

gnomAD v4.1: 3 of 1,614,252 alleles (0.00019%); highest among the groups gnomAD compares: Admixed American, 0.0017%; no homozygotes.

Submissions (2):

Labcorp Genetics (formerly Invitae), Labcorp
Classification: Uncertain significance. Last evaluated: 2025-03-01. Review status: criteria provided, single submitter. Criteria: Invitae Variant Classification Sherloc (09022015). Collection method: clinical testing. Allele origin: germline.
Comment: This sequence change replaces alanine, which is neutral and non-polar, with valine, which is neutral and non-polar, at codon 1489 of the ARID1A protein (p.Ala1489Val). This variant is present in population databases (no rsID available, gnomAD 0.003%). This variant has not been reported in the literature in individuals affected with ARID1A-related conditions. Invitae Evidence Modeling of protein sequence and biophysical properties (such as structural, functional, and spatial information, amino acid conservation, physicochemical variation, residue mobility, and thermodynamic stability) indicates that this missense variant is not expected to disrupt ARID1A protein function with a negative predictive value of 80%. In summary, the available evidence is currently insufficient to determine the role of this variant in disease. Therefore, it has been classified as a Variant of Uncertain Significance.

Ambry Genetics
Classification: Uncertain significance for Inborn genetic diseases. Last evaluated: 2025-01-24. Review status: criteria provided, single submitter. Criteria: Ambry Variant Classification Scheme 2023. Collection method: clinical testing. Allele origin: germline.